The following is an entry in ClinVar:

NM_003742.4(ABCB11):c.3752C>T (p.Thr1251Ile)

Gene: ABCB11 (ATP binding cassette subfamily B member 11; minus strand). Cytogenetic location: 2q31.1.
Variant type: single nucleotide variant.
Coding change: c.3752C>T on transcript NM_003742.4 (MANE Select); coding-DNA position 3752, C replaced by T.
Protein change: p.Thr1251Ile; replaces threonine 1251 with isoleucine.
Molecular consequence: missense variant.
Genome position (GRCh38, 1-based): chr2:168,924,670, G>A on the plus strand (C>T on the coding strand, the complement: ABCB11 is on the minus strand). VCF-style: chr2-168924670-G-A. GRCh37 (hg19) VCF-style: chr2-169781180-G-A.
Other names: short protein forms T1251I.
Identifiers: ClinVar variation 4846189 (VCV004846189.1).
Genomic context (GRCh38, chr2:168,924,670, plus strand): 5'-AAAGACTTATTTGTAATGATCTAAGACTTTAGAAATTCAACACTTACCTTTTCACTTTCT[G>A]TGTCTAAGGCAGAAGTGGCTTCATCTAGTAGCAAGATTTTAGGATCTCGTACAATGGCCC-3'
Protein context (NP_003733.2, residues 1241-1261): LLDEATSALD[Thr1251Ile]ESEKTVQVAL

ClinVar aggregate classification (germline): Uncertain significance (1 of 4 stars; one submission).

Conditions:
Familial intrahepatic cholestasis. Identifiers: Orphanet 284385, MedGen CN296401, MONDO:0017290.

Submission:

Genomenon, Inc
Classification: Uncertain significance for Familial intrahepatic cholestasis. Last evaluated: 2026-04-14. Review status: criteria provided, single submitter. Criteria: Genomenon Sequence Variant Interpretation Standards - Updated. Collection method: curation. Allele origin: germline. Affected: yes.
Comment: ABCB11 p.Thr1251Ile (c.3752C>T) is a missense variant that changes the amino acid at residue 1251 from Threonine to Isoleucine. This variant has been observed in at least one proband with an ABCB11-related disorder (PMID:35626323). It is absent or not present at a significant frequency in gnomAD. In silico models predict that this variant is possibly or probably damaging. In conclusion, we classify ABCB11 p.Thr1251Ile (c.3752C>T) as a variant of uncertain significance.

Literature cited by the submitters: PubMed 35626323.